The following is an entry in ClinVar:

ClinVar aggregate classification (germline): Pathogenic (1 of 4 stars; one submission).

Conditions:
Catecholaminergic polymorphic ventricular tachycardia 1. Also called: VENTRICULAR TACHYCARDIA, STRESS-INDUCED POLYMORPHIC 1; VENTRICULAR TACHYCARDIA, CATECHOLAMINERGIC POLYMORPHIC, 1, WITH OR WITHOUT ATRIAL DYSFUNCTION AND/OR DILATED CARDIOMYOPATHY; RYR2-Related Catecholaminergic Polymorphic Ventricular Tachycardia. Identifiers: Orphanet 3286, MedGen C1631597, MONDO:0011484, OMIM 604772.

Submissions (2):

Labcorp Genetics (formerly Invitae), Labcorp
Classification: Pathogenic for Catecholaminergic polymorphic ventricular tachycardia 1. Last evaluated: 2017-10-11. Review status: criteria provided, single submitter. Criteria: Invitae Variant Classification Sherloc (09022015). Collection method: clinical testing. Allele origin: germline.
Comment: This variant is not present in population databases (ExAC no frequency). This variant occurs within one of the three regions of the RYR2 gene (N-terminal domain, central domain, or channel region) where other pathogenic variants have been reported to cluster (PMID: 19926015). For these reasons, this variant has been classified as Pathogenic. Algorithms developed to predict the effect of sequence changes on RNA splicing suggest that this variant may disrupt the consensus splice site, but this prediction has not been confirmed by published transcriptional studies. Algorithms developed to predict the effect of missense changes on protein structure and function do not agree on the potential impact of this missense change (SIFT: "Deleterious"; PolyPhen-2: "Benign"; Align-GVGD: "Class C0"). This sequence change replaces glycine with cysteine at codon 4864 of the RYR2 protein (p.Gly4864Cys). The glycine residue is highly conserved and there is a large physicochemical difference between glycine and cysteine. This variant also falls at the last nucleotide of exon 101 of the RYR2 coding sequence, which is part of the consensus splice site for this exon. Nucleotide substitutions within the consensus splice site are relatively common causes of aberrant splicing (PMID: 17576681, 9536098).

Dr. Peter K. Rogan Lab, Western University
No classification provided (evidence only). Condition: Squamous cell lung carcinoma. Review status: no classification provided. Collection method: in vitro. Allele origin: not applicable. Functional consequence: retained intron. Not counted in ClinVar's aggregate classification.

Literature cited by the submitters: PubMed 19926015 (cited by Labcorp Genetics (formerly Invitae), Labcorp); PubMed 17576681 (cited by Labcorp Genetics (formerly Invitae), Labcorp); PubMed 9536098 (cited by Labcorp Genetics (formerly Invitae), Labcorp).

NM_001035.3(RYR2):c.14590G>T (p.Gly4864Cys)

Gene: RYR2 (ryanodine receptor 2; plus strand). Cytogenetic location: 1q43.
Variant type: single nucleotide variant.
Coding change: c.14590G>T on transcript NM_001035.3 (MANE Select); coding-DNA position 14590, G replaced by T.
Protein change: p.Gly4864Cys; replaces glycine 4864 with cysteine.
Molecular consequence: missense variant.
Genome position (GRCh38, 1-based): chr1:237,819,192, G>T. VCF-style: chr1-237819192-G-T. GRCh37 (hg19) VCF-style: chr1-237982492-G-T.
Other names: c.14590G>T, p.Gly4864Cys (LRG_402t1); short protein forms G4864C.
Identifiers: ClinVar variation 463579 (VCV000463579.11), dbSNP rs1553339086, ClinGen allele CA345426888.
Genomic context (GRCh38, chr1:237,819,192, plus strand): 5'-ATCATCTTTGACATCACTTTCTTCTTCTTTGTTATTGTCATTCTCTTGGCCATAATACAA[G>T]GTAAGTATCCTCCTCACTGAAGCTGATGAACATCTAGAATTTGAGCCACATGTTGCTGAA-3'
Protein context (NP_001026.2, residues 4854-4874): VIVILLAIIQ[Gly4864Cys]LIIDAFGELR